The following is an entry in ClinVar:

NM_004519.4(KCNQ3):c.1931T>G (p.Met644Arg)

Gene: KCNQ3 (potassium voltage-gated channel subfamily Q member 3; minus strand). Cytogenetic location: 8q24.22.
Variant type: single nucleotide variant.
Coding change: c.1931T>G on transcript NM_004519.4 (MANE Select); coding-DNA position 1931, T replaced by G.
Protein change: p.Met644Arg; replaces methionine 644 with arginine.
Molecular consequence: missense variant.
Genome position (GRCh38, 1-based): chr8:132,129,950, A>C on the plus strand (T>G on the coding strand, the complement: KCNQ3 is on the minus strand). VCF-style: chr8-132129950-A-C. GRCh37 (hg19) VCF-style: chr8-133142197-A-C.
Other names: c.1571T>G, p.Met524Arg (NM_001204824.2); short protein forms M524R, M644R.
Identifiers: ClinVar variation 3699676 (VCV003699676.2).

ClinVar aggregate classification (germline): Uncertain significance (1 of 4 stars; one submission).

Conditions:
Benign neonatal seizures. Also called: Benign familial neonatal epilepsy; Benign familial neonatal seizures; Convulsions benign familial neonatal dominant form; Autosomal dominant form of benign neonatal seizures; Benign neonatal familial convulsions. Identifiers: Orphanet 1949, MedGen C0220669, MONDO:0016027.

gnomAD v4.1: 3 of 1,613,998 alleles (0.00019%); highest among the groups gnomAD compares: South Asian, 0.0022%; no homozygotes.

Submission:

Labcorp Genetics (formerly Invitae), Labcorp
Classification: Uncertain significance for Benign neonatal seizures. Last evaluated: 2024-04-13. Review status: criteria provided, single submitter. Criteria: Invitae Variant Classification Sherloc (09022015). Collection method: clinical testing. Allele origin: germline.
Comment: This sequence change replaces methionine, which is neutral and non-polar, with arginine, which is basic and polar, at codon 644 of the KCNQ3 protein (p.Met644Arg). This variant is not present in population databases (gnomAD no frequency). This variant has not been reported in the literature in individuals affected with KCNQ3-related conditions. Advanced modeling of protein sequence and biophysical properties (such as structural, functional, and spatial information, amino acid conservation, physicochemical variation, residue mobility, and thermodynamic stability) performed at Invitae indicates that this missense variant is not expected to disrupt KCNQ3 protein function with a negative predictive value of 80%. In summary, the available evidence is currently insufficient to determine the role of this variant in disease. Therefore, it has been classified as a Variant of Uncertain Significance.